The following is an entry in ClinVar:

NM_002474.3(MYH11):c.3102T>C (p.Ser1034=)

Gene: MYH11 (myosin heavy chain 11; minus strand). Cytogenetic location: 16p13.11.
Variant type: single nucleotide variant.
Coding change: c.3102T>C on transcript NM_002474.3 (MANE Select); coding-DNA position 3102, T replaced by C.
Protein change: p.Ser1034=; no amino-acid change (serine 1034 retained).
Molecular consequence: synonymous variant.
Genome position (GRCh38, 1-based): chr16:15,738,584, A>G on the plus strand (T>C on the coding strand, the complement: MYH11 is on the minus strand). VCF-style: chr16-15738584-A-G. GRCh37 (hg19) VCF-style: chr16-15832441-A-G.
Other names: p.Ser1041=; c.3123T>C, p.Ser1041= (NM_001040113.2, NM_001040114.2); c.3102T>C, p.Ser1034= (NM_022844.3).
Identifiers: ClinVar variation 257257 (VCV000257257.30), dbSNP rs181744522, ClinGen allele CA7922096.

ClinVar aggregate classification (germline): Benign/Likely benign. Review status: criteria provided, multiple submitters, no conflicts (2 of 4 stars). 13 submissions from 13 submitters: Benign (7); Likely benign (3). 3 of the submissions do not count toward it. Last evaluated 2026-01-19.

Conditions:
Familial thoracic aortic aneurysm and aortic dissection (TAAD). Also called: Thoracic aortic aneurysms and dissections. Identifiers: Orphanet 91387, MedGen C4707243, MONDO:0019625.
Aortic aneurysm, familial thoracic 4 (AAT4). Also called: AORTIC ANEURYSM/AORTIC DISSECTION AND PATENT DUCTUS ARTERIOSUS. Identifiers: MedGen C1851504, MONDO:0007568, OMIM 132900.

Allele frequency attached by ClinVar (database versions not stated): ESP Exome Variant Server 0.00015; TOPMed 0.00032; gnomAD exomes 0.00049 and 0.00095; 1000 Genomes Project 30x 0.00062; gnomAD 0.00077 and 0.00080; 1000 Genomes Project 0.00080; ExAC 0.00104.
gnomAD v4.1: 844 of 1,613,648 alleles (0.052%); highest among the groups gnomAD compares: Admixed American, 0.042%; 3 homozygotes.

Submissions (13):

Labcorp Genetics (formerly Invitae), Labcorp
Classification: Benign for Aortic aneurysm, familial thoracic 4. Last evaluated: 2026-01-19. Review status: criteria provided, single submitter. Criteria: Invitae Variant Classification Sherloc (09022015). Collection method: clinical testing. Allele origin: germline.

Mayo Clinic Laboratories, Mayo Clinic
Classification: Benign. Last evaluated: 2025-02-17. Review status: criteria provided, single submitter. Criteria: ACMG Guidelines, 2015. Collection method: clinical testing. Allele origin: germline. Observed: 2 variant alleles.
Comment: BS1, BS2, BP4, BP7

Blueprint Genetics
Classification: Likely benign. Last evaluated: 2024-11-14. Review status: criteria provided, single submitter. Criteria: ACMG Guidelines, 2015. Collection method: clinical testing. Allele origin: germline.

All of Us Research Program, National Institutes of Health
Classification: Benign for Familial thoracic aortic aneurysm and aortic dissection. Last evaluated: 2023-12-15. Review status: criteria provided, single submitter. Criteria: ACMG Guidelines, 2015. Collection method: clinical testing. Allele origin: germline. Inheritance: Autosomal dominant inheritance. Observed: 76 variant alleles, 76 heterozygotes.
Comment: This study involves interpretation of variants in research participants for the purpose of population health screening. Participant phenotype was not available at the time of variant classification. Additional details can be found in publication PMID: 35346344, PMCID: PMC8962531

Women's Health and Genetics/Laboratory Corporation of America, LabCorp
Classification: Benign. Last evaluated: 2019-04-16. Review status: criteria provided, single submitter. Criteria: LabCorp Variant Classification Summary - May 2015. Collection method: clinical testing. Allele origin: germline.
Comment: Variant summary: MYH11 c.3123T>C alters a non-conserved nucleotide resulting in a synonymous change. 5/5 computational tools predict no significant impact on normal splicing. However, these predictions have yet to be confirmed by functional studies. The variant allele was found at a frequency of 0.00095 in 251216 control chromosomes, predominantly at a frequency of 0.00064 within the Non-Finnish European subpopulation in the gnomAD database. The observed variant frequency within Non-Finnish European control individuals in the gnomAD database is approximately 512 fold of the estimated maximal expected allele frequency for a pathogenic variant in MYH11 causing Aortopathy phenotype (1.3e-06), strongly suggesting that the variant is a benign polymorphism found primarily in populations of Non-Finnish European origin. To our knowledge, no occurrence of c.3123T>C in individuals affected with Aortopathy and no experimental evidence demonstrating its impact on protein function have been reported. Two ClinVar submissions from clinical diagnostic laboratories (evaluation after 2014) cites the variant as benign/likely benign. Based on the evidence outlined above, the variant was classified as benign.

Color Diagnostics, LLC DBA Color Health
Classification: Benign for Familial thoracic aortic aneurysm and aortic dissection. Last evaluated: 2018-03-07. Review status: criteria provided, single submitter. Criteria: ACMG Guidelines, 2015. Collection method: clinical testing. Allele origin: germline.

CHEO Genetics Diagnostic Laboratory, Children's Hospital of Eastern Ontario
Classification: Benign for Familial thoracic aortic aneurysm and aortic dissection. Last evaluated: 2017-03-13. Review status: criteria provided, single submitter. Criteria: ACMG Guidelines, 2015. Collection method: clinical testing. Allele origin: germline. Study: Canadian Open Genetics Repository.

Ambry Genetics
Classification: Likely benign for Familial thoracic aortic aneurysm and aortic dissection. Last evaluated: 2015-04-10. Review status: criteria provided, single submitter. Criteria: Ambry Variant Classification Scheme 2023. Collection method: clinical testing. Allele origin: germline.

GeneDx
Classification: Benign. Last evaluated: 2015-03-03. Review status: criteria provided, single submitter. Criteria: GeneDx Variant Classification Process June 2021. Collection method: clinical testing. Allele origin: germline. Affected: yes.

PreventionGenetics, part of Exact Sciences
Classification: Likely benign. Review status: criteria provided, single submitter. Criteria: ACMG Guidelines, 2015. Collection method: clinical testing. Allele origin: germline.

Clinical Genetics DNA and cytogenetics Diagnostics Lab, Erasmus MC, Erasmus Medical Center
Classification: Likely benign. Review status: no assertion criteria provided. Collection method: clinical testing. Allele origin: germline. Affected: yes. Study: VKGL Data-share Consensus. Not counted in ClinVar's aggregate classification.

Genome Diagnostics Laboratory, Amsterdam University Medical Center
Classification: Likely benign. Review status: no assertion criteria provided. Collection method: clinical testing. Allele origin: germline. Affected: yes. Study: VKGL Data-share Consensus. Not counted in ClinVar's aggregate classification.

Joint Genome Diagnostic Labs from Nijmegen and Maastricht, Radboudumc and MUMC+
Classification: Benign. Review status: no assertion criteria provided. Collection method: clinical testing. Allele origin: germline. Affected: yes. Study: VKGL Data-share Consensus. Not counted in ClinVar's aggregate classification.